The following is an entry in ClinVar:

ClinVar aggregate classification (germline): Benign/Likely benign. Review status: criteria provided, multiple submitters, no conflicts (2 of 4 stars). 2 submissions from 2 submitters: Benign (1); Likely benign (1). Last evaluated 2025-12-20.

Conditions:
MYH7B-related disorder. Also called: MYH7B-related condition.

Allele frequency attached by ClinVar (database versions not stated): gnomAD exomes 0.00011 and 0.00028; ExAC 0.00032; ESP Exome Variant Server 0.00062; gnomAD 0.00124; TOPMed 0.00127; 1000 Genomes Project 30x 0.00141; 1000 Genomes Project 0.00180.
gnomAD v4.1: 374 of 1,611,916 alleles (0.023%); highest among the groups gnomAD compares: African/African-American, 0.43%; 3 homozygotes.

Submissions (2):

PreventionGenetics, part of Exact Sciences
Classification: Likely benign for MYH7B-related condition. Last evaluated: 2025-12-20. Review status: criteria provided, single submitter. Criteria: ACMG Guidelines, 2015. Collection method: clinical testing. Allele origin: germline.
Comment: This variant is classified as likely benign based on ACMG/AMP sequence variant interpretation guidelines (Richards et al. 2015 PMID: 25741868, with internal and published modifications).

Labcorp Genetics (formerly Invitae), Labcorp
Classification: Benign. Last evaluated: 2025-10-01. Review status: criteria provided, single submitter. Criteria: Invitae Variant Classification Sherloc (09022015). Collection method: clinical testing. Allele origin: germline.

NM_020884.7(MYH7B):c.1101C>T (p.Phe367=)

Gene: MYH7B (myosin heavy chain 7B; plus strand). Cytogenetic location: 20q11.22.
Variant type: single nucleotide variant.
Coding change: c.1101C>T on transcript NM_020884.7 (MANE Select); coding-DNA position 1101, C replaced by T.
Protein change: p.Phe367=; no amino-acid change (phenylalanine 367 retained).
Molecular consequence: synonymous variant.
Genome position (GRCh38, 1-based): chr20:34,987,241, C>T. VCF-style: chr20-34987241-C-T. GRCh37 (hg19) VCF-style: chr20-33575044-C-T.
Identifiers: ClinVar variation 731648 (VCV000731648.10), dbSNP rs145740416, ClinGen allele CA9826803.
Genomic context (GRCh38, chr20:34,987,241, plus strand): 5'-TGAGAAATGTGCCTGCTATAAGATCGTGGGCGCCCTCCTGCACTTTGGCAACATGAAGTT[C>T]AAGCAGAAGCAGCGGGAGGAGCAGGCGGAGGCCGATGGCACTGAGAGTGAGGGGCCCTAA-3'
Protein context (NP_065935.4, residues 357-377): GALLHFGNMK[Phe367=]KQKQREEQAE